The following is an entry in ClinVar:

ClinVar aggregate classification (germline): Uncertain significance (1 of 4 stars; one submission).

Conditions:
Myasthenic syndrome, congenital, 22 (CMS22). Also called: PREPL DEFICIENCY. Identifiers: MedGen C4479088, MONDO:0044299, OMIM 616224.

Allele frequency attached by ClinVar (database versions not stated): gnomAD exomes below 0.00001.
gnomAD v4.1: 1 of 1,612,708 alleles (0.000062%); highest among the groups gnomAD compares: Admixed American, 0.0017%; no homozygotes.

Submission:

Labcorp Genetics (formerly Invitae), Labcorp
Classification: Uncertain significance for Myasthenic syndrome, congenital, 22. Last evaluated: 2022-05-12. Review status: criteria provided, single submitter. Criteria: Invitae Variant Classification Sherloc (09022015). Collection method: clinical testing. Allele origin: germline.
Comment: In summary, the available evidence is currently insufficient to determine the role of this variant in disease. Therefore, it has been classified as a Variant of Uncertain Significance. Algorithms developed to predict the effect of missense changes on protein structure and function (SIFT, PolyPhen-2, Align-GVGD) all suggest that this variant is likely to be tolerated. This variant has not been reported in the literature in individuals affected with PREPL-related conditions. This variant is not present in population databases (gnomAD no frequency). This sequence change replaces histidine, which is basic and polar, with tyrosine, which is neutral and polar, at codon 27 of the PREPL protein (p.His27Tyr).

NM_001171613.2(PREPL):c.-49+1743C>T

Gene: PREPL (prolyl endopeptidase like; minus strand). Cytogenetic location: 2p21.
Variant type: single nucleotide variant.
Coding change: c.-49+1743C>T on transcript NM_001171613.2 (MANE Select); 1743 bases into the intron after 49 bases upstream of the start codon, C replaced by T.
Molecular consequence: intron variant. On other transcripts: missense variant (7).
Genome position (GRCh38, 1-based): chr2:44,359,637, G>A on the plus strand (C>T on the coding strand, the complement: PREPL is on the minus strand). VCF-style: chr2-44359637-G-A. GRCh37 (hg19) VCF-style: chr2-44586776-G-A.
Other names: c.79C>T, p.His27Tyr (NM_001171603.1, NM_001171606.2, NM_001374275.1 and 4 more transcripts); c.-49+1887C>T (NM_001171617.1); c.-49+1780C>T (NM_001374277.1); short protein forms H27Y.
Identifiers: ClinVar variation 2133243 (VCV002133243.4), dbSNP rs2466494757, ClinGen allele CA346695034.